The following is an entry in ClinVar:

NM_001127178.3(PIGG):c.932A>G (p.Gln311Arg)

Gene: PIGG (phosphatidylinositol glycan anchor biosynthesis class G (EMM blood group); plus strand). Cytogenetic location: 4p16.3.
Variant type: single nucleotide variant.
Coding change: c.932A>G on transcript NM_001127178.3 (MANE Select); coding-DNA position 932, A replaced by G.
Protein change: p.Gln311Arg; replaces glutamine 311 with arginine.
Molecular consequence: missense variant. On other transcripts: 5 prime UTR variant (4), non-coding transcript variant (10).
Genome position (GRCh38, 1-based): chr4:516,003, A>G. VCF-style: chr4-516003-A-G. GRCh37 (hg19) VCF-style: chr4-509792-A-G.
Other names: c.665A>G, p.Gln222Arg (NM_001289051.2, NM_001289053.2, NM_001289057.2 and 2 more transcripts); c.533A>G, p.Gln178Arg (NM_001289052.2); c.566A>G, p.Gln189Arg (NM_001289055.2); c.-98A>G (NM_001345988.2); c.932A>G, p.Gln311Arg (NM_001345989.2, NM_017733.5); c.-694A>G (NM_001345990.2); c.-556A>G (NM_001345991.2); c.-281A>G (NM_001345994.2); short protein forms Q178R, Q189R, Q222R, Q311R.
Identifiers: ClinVar variation 836586 (VCV000836586.10), dbSNP rs1723704333, ClinGen allele CA355901814.
Genomic context (GRCh38, chr4:516,003, plus strand): 5'-CTGTTACTTAAAATGTTTTCTTTCTTCTAGGTGATATCCGACATCCAAAGCACGTCCAAC[A>G]GACGGATGTGGCTGCGACACTGGCGATAGCACTTGGCTTACCGATTCCAAAAGACAGTGT-3'
Protein context (NP_001120650.1, residues 301-321): GDIRHPKHVQ[Gln311Arg]TDVAATLAIA

ClinVar aggregate classification (germline): Uncertain significance (1 of 4 stars; one submission).

Conditions:
Intellectual disability, autosomal recessive 53 (NEDHSCA). Also called: NEURODEVELOPMENTAL DISORDER WITH OR WITHOUT HYPOTONIA, SEIZURES, AND CEREBELLAR ATROPHY; GLYCOSYLPHOSPHATIDYLINOSITOL BIOSYNTHESIS DEFECT 13; Mental retardation, autosomal recessive 53. Identifiers: Orphanet 488635, MedGen C4310794, MONDO:0014832, OMIM 616917.

Allele frequency attached by ClinVar (database versions not stated): TOPMed below 0.00001.

Submission:

Labcorp Genetics (formerly Invitae), Labcorp
Classification: Uncertain significance for Intellectual disability, autosomal recessive 53. Last evaluated: 2019-01-26. Review status: criteria provided, single submitter. Criteria: Invitae Variant Classification Sherloc (09022015). Collection method: clinical testing. Allele origin: germline.
Comment: This sequence change replaces glutamine with arginine at codon 311 of the PIGG protein (p.Gln311Arg). The glutamine residue is highly conserved and there is a small physicochemical difference between glutamine and arginine. This variant is not present in population databases (ExAC no frequency). In summary, the available evidence is currently insufficient to determine the role of this variant in disease. Therefore, it has been classified as a Variant of Uncertain Significance. Algorithms developed to predict the effect of missense changes on protein structure and function are either unavailable or do not agree on the potential impact of this missense change (SIFT: "Deleterious"; PolyPhen-2: "Probably Damaging"; Align-GVGD: "Class C0"). This variant has not been reported in the literature in individuals with PIGG-related conditions.